The following is an entry in ClinVar:

ClinVar aggregate classification (germline): Uncertain significance (1 of 4 stars; one submission).

Conditions:
Luscan-Lumish syndrome. Identifiers: Orphanet 597738, MedGen C4085873, MONDO:0014791, OMIM 616831.

Allele frequency attached by ClinVar (database versions not stated): ESP Exome Variant Server 0.00008.

Submission:

Labcorp Genetics (formerly Invitae), Labcorp
Classification: Uncertain significance for Luscan-lumish syndrome. Last evaluated: 2018-11-30. Review status: criteria provided, single submitter. Criteria: Invitae Variant Classification Sherloc (09022015). Collection method: clinical testing. Allele origin: germline.
Comment: This sequence change replaces proline with arginine at codon 2318 of the SETD2 protein (p.Pro2318Arg). The proline residue is highly conserved and there is a moderate physicochemical difference between proline and arginine. This variant is not present in population databases (ExAC no frequency). This variant has not been reported in the literature in individuals with SETD2-related conditions. Algorithms developed to predict the effect of missense changes on protein structure and function are either unavailable or do not agree on the potential impact of this missense change (SIFT: "Tolerated"; PolyPhen-2: "Probably Damaging"; Align-GVGD: "Class C0"). In summary, the available evidence is currently insufficient to determine the role of this variant in disease. Therefore, it has been classified as a Variant of Uncertain Significance.

NM_014159.7(SETD2):c.6953C>G (p.Pro2318Arg)

Gene: SETD2 (SET domain containing 2, histone lysine methyltransferase; minus strand). Cytogenetic location: 3p21.31.
Variant type: single nucleotide variant.
Coding change: c.6953C>G on transcript NM_014159.7 (MANE Select); coding-DNA position 6953, C replaced by G.
Protein change: p.Pro2318Arg; replaces proline 2318 with arginine.
Molecular consequence: missense variant. On other transcripts: non-coding transcript variant (1).
Genome position (GRCh38, 1-based): chr3:47,056,831, G>C on the plus strand (C>G on the coding strand, the complement: SETD2 is on the minus strand). VCF-style: chr3-47056831-G-C. GRCh37 (hg19) VCF-style: chr3-47098321-G-C.
Other names: c.6821C>G, p.Pro2274Arg (NM_001349370.3); short protein forms P2274R, P2318R.
Identifiers: ClinVar variation 661537 (VCV000661537.1), dbSNP rs374228543, ClinGen allele CA73795947.
Genomic context (GRCh38, chr3:47,056,831, plus strand): 5'-TCCCATGAACAGACCATAAAGCAGAAAAGAAAAGTTTCAGAATTAGTTACCTGTACAATT[G>C]GTGGAGTTGTCTGTGAATAAGGTGATGTCACACCATAGACTGTTGGACATGTCTGTCCTT-3'
Protein context (NP_054878.5, residues 2308-2328): VTSPYSQTTP[Pro2318Arg]IVQSYAQPSL